The following is an entry in ClinVar:

NM_017934.7(PHIP):c.941T>G (p.Phe314Cys)

Gene: PHIP (PHIP subunit of CUL4-Ring ligase complex; minus strand). Cytogenetic location: 6q14.1.
Variant type: single nucleotide variant.
Coding change: c.941T>G on transcript NM_017934.7 (MANE Select); coding-DNA position 941, T replaced by G.
Protein change: p.Phe314Cys; replaces phenylalanine 314 with cysteine.
Molecular consequence: missense variant.
Genome position (GRCh38, 1-based): chr6:79,019,142, A>C on the plus strand (T>G on the coding strand, the complement: PHIP is on the minus strand). VCF-style: chr6-79019142-A-C. GRCh37 (hg19) VCF-style: chr6-79728859-A-C.
Other names: short protein forms F314C.
Identifiers: ClinVar variation 3067738 (VCV003067738.21), dbSNP rs2482154579, ClinGen allele CA364636548.
Genomic context (GRCh38, chr6:79,019,142, plus strand): 5'-AACTTACCAGCACTAAAAGAAGAACAGATCATTTGAACTCCAGGCCGAGGGCGCTCTGTA[A>C]ATTTTGCAGGTCTTGGGCTGTAATACAAAAAATAAAGAATTAAAAATATCCTAAAGGAAC-3'
Protein context (NP_060404.4, residues 304-324): TLKINPRPAK[Phe314Cys]TERPRPGVQM

ClinVar aggregate classification (germline): Uncertain significance (1 of 4 stars; one submission).

Submission:

CeGaT Center for Human Genetics Tuebingen
Classification: Uncertain significance. Last evaluated: 2024-03-01. Review status: criteria provided, single submitter. Criteria: CeGaT Center For Human Genetics Tuebingen Variant Classification Criteria Version 2. Collection method: clinical testing. Allele origin: germline. Affected: yes. Observed: 1 variant allele.
Comment: PHIP: PM2, PP2